The following is an entry in ClinVar:

ClinVar aggregate classification (germline): Uncertain significance (1 of 4 stars; one submission).

Conditions:
Nemaline myopathy 5 (NEM5A). Also called: NEMALINE MYOPATHY, AMISH TYPE; NEMALINE MYOPATHY 5A, AUTOSOMAL RECESSIVE, SEVERE INFANTILE; Nemaline myopathy 5, Amish type. Identifiers: Orphanet 98902, MedGen C1854380, MONDO:0011539, OMIM 605355.

Submission:

Labcorp Genetics (formerly Invitae), Labcorp
Classification: Uncertain significance for Nemaline myopathy 5. Last evaluated: 2022-01-24. Review status: criteria provided, single submitter. Criteria: Invitae Variant Classification Sherloc (09022015). Collection method: clinical testing. Allele origin: germline.
Comment: This sequence change replaces tyrosine, which is neutral and polar, with aspartic acid, which is acidic and polar, at codon 197 of the TNNT1 protein (p.Tyr197Asp). This variant is not present in population databases (gnomAD no frequency). This variant has not been reported in the literature in individuals affected with TNNT1-related conditions. Algorithms developed to predict the effect of missense changes on protein structure and function (SIFT, PolyPhen-2, Align-GVGD) all suggest that this variant is likely to be tolerated. In summary, the available evidence is currently insufficient to determine the role of this variant in disease. Therefore, it has been classified as a Variant of Uncertain Significance.

NM_003283.6(TNNT1):c.589T>G (p.Tyr197Asp)

Gene: TNNT1 (troponin T1, slow skeletal type; minus strand). Cytogenetic location: 19q13.42.
Variant type: single nucleotide variant.
Coding change: c.589T>G on transcript NM_003283.6 (MANE Select); coding-DNA position 589, T replaced by G.
Protein change: p.Tyr197Asp; replaces tyrosine 197 with aspartic acid.
Molecular consequence: missense variant.
Genome position (GRCh38, 1-based): chr19:55,137,125, A>C on the plus strand (T>G on the coding strand, the complement: TNNT1 is on the minus strand). VCF-style: chr19-55137125-A-C. GRCh37 (hg19) VCF-style: chr19-55648493-A-C.
Other names: c.589T>G, p.Tyr197Asp (NM_001126132.3); c.556T>G, p.Tyr186Asp (NM_001126133.3, NM_001291774.2); short protein forms Y186D, Y197D.
Identifiers: ClinVar variation 1971264 (VCV001971264.5), dbSNP rs2515421847, ClinGen allele CA407432635.
Genomic context (GRCh38, chr19:55,137,125, plus strand): 5'-CCCAGGCCCCTACACCCCGAGCCCCCCACAGCACCTACCGGAGCTGTTCCTCCCCCATGT[A>C]GTCAATGTCCAGAGGCTTCTTACGCTCGGAGAGGATGCGCACCTTCATCTCCCGCCCCGT-3'
Protein context (NP_003274.3, residues 187-207): SERKKPLDID[Tyr197Asp]MGEEQLRARS